The following is an entry in ClinVar:

NM_000238.4(KCNH2):c.1963A>T (p.Ile655Phe)

Gene: KCNH2 (potassium voltage-gated channel subfamily H member 2; minus strand). Cytogenetic location: 7q36.1.
Variant type: single nucleotide variant.
Coding change: c.1963A>T on transcript NM_000238.4 (MANE Select); coding-DNA position 1963, A replaced by T.
Protein change: p.Ile655Phe; replaces isoleucine 655 with phenylalanine.
Molecular consequence: missense variant.
Genome position (GRCh38, 1-based): chr7:150,951,103, T>A on the plus strand (A>T on the coding strand, the complement: KCNH2 is on the minus strand). VCF-style: chr7-150951103-T-A. GRCh37 (hg19) VCF-style: chr7-150648191-T-A.
Other names: c.943A>T, p.Ile315Phe (NM_001204798.2, NM_172057.3); c.1675A>T, p.Ile559Phe (NM_001406753.1, NM_001406756.1); c.1786A>T, p.Ile596Phe (NM_001406755.1); c.1663A>T, p.Ile555Phe (NM_001406757.1); c.1963A>T, p.Ile655Phe (NM_172056.3); short protein forms I315F, I655F, I555F, I559F, I596F.
Identifiers: ClinVar variation 1409789 (VCV001409789.7), dbSNP rs1060500673, ClinGen allele CA369857752.
Genomic context (GRCh38, chr7:150,951,103, plus strand): 5'-TGTGGTAGCGGGCTGTGCCCGAGTACAGCCGCTGGATGATGGCCGACACGTTGCCGAAGA[T>A]GCTAGCATACATGAGGGCTGGGGGCGTGGGCACGTGGGGCCGTCAGCCTCTGCAGGGACC-3'
Protein context (NP_000229.1, residues 645-665): MLIGSLMYAS[Ile655Phe]FGNVSAIIQR

ClinVar aggregate classification (germline): Uncertain significance (1 of 4 stars; one submission).

Conditions:
Long QT syndrome (LQTS). Identifiers: MedGen C0023976, MeSH D008133, MONDO:0002442. Disease mechanism: loss of function. Inheritance: Various modes of inheritance.

Submission:

Labcorp Genetics (formerly Invitae), Labcorp
Classification: Uncertain significance for Long QT syndrome. Last evaluated: 2021-08-24. Review status: criteria provided, single submitter. Criteria: Invitae Variant Classification Sherloc (09022015). Collection method: clinical testing. Allele origin: germline.
Comment: In summary, the available evidence is currently insufficient to determine the role of this variant in disease. Therefore, it has been classified as a Variant of Uncertain Significance. Algorithms developed to predict the effect of missense changes on protein structure and function are either unavailable or do not agree on the potential impact of this missense change (SIFT: "Deleterious"; PolyPhen-2: "Probably Damaging"; Align-GVGD: "Class C0"). This variant has not been reported in the literature in individuals affected with KCNH2-related conditions. This variant is not present in population databases (ExAC no frequency). This sequence change replaces isoleucine with phenylalanine at codon 655 of the KCNH2 protein (p.Ile655Phe). The isoleucine residue is highly conserved and there is a small physicochemical difference between isoleucine and phenylalanine.